The following is an entry in ClinVar:

NM_130849.4(SLC39A4):c.1419+2T>G

Gene: SLC39A4 (solute carrier family 39 member 4; minus strand). Cytogenetic location: 8q24.3.
Variant type: single nucleotide variant.
Coding change: c.1419+2T>G on transcript NM_130849.4 (MANE Select); the canonical splice donor site of the intron after coding-DNA position 1419, T replaced by G.
Molecular consequence: splice donor variant.
Genome position (GRCh38, 1-based): chr8:144,413,748, A>C on the plus strand (T>G on the coding strand, the complement: SLC39A4 is on the minus strand). VCF-style: chr8-144413748-A-C. GRCh37 (hg19) VCF-style: chr8-145639132-A-C.
Other names: c.1137+2T>G (NM_001374839.1); c.1344+2T>G (NM_017767.3).
Identifiers: ClinVar variation 1068118 (VCV001068118.3), dbSNP rs2130795641, ClinGen allele CA372618981.

ClinVar aggregate classification (germline): Likely pathogenic (1 of 4 stars; one submission).

Submission:

Labcorp Genetics (formerly Invitae), Labcorp
Classification: Likely pathogenic. Last evaluated: 2023-06-28. Review status: criteria provided, single submitter. Criteria: Invitae Variant Classification Sherloc (09022015). Collection method: clinical testing. Allele origin: germline.
Comment: In summary, the currently available evidence indicates that the variant is pathogenic, but additional data are needed to prove that conclusively. Therefore, this variant has been classified as Likely Pathogenic. Algorithms developed to predict the effect of sequence changes on RNA splicing suggest that this variant may disrupt the consensus splice site. ClinVar contains an entry for this variant (Variation ID: 1068118). This variant has not been reported in the literature in individuals affected with SLC39A4-related conditions. This variant is not present in population databases (gnomAD no frequency). This sequence change affects a donor splice site in intron 8 of the SLC39A4 gene. It is expected to disrupt RNA splicing. Variants that disrupt the donor or acceptor splice site typically lead to a loss of protein function (PMID: 16199547), and loss-of-function variants in SLC39A4 are known to be pathogenic (PMID: 12955721).

Literature cited by the submitters: PubMed 16199547; PubMed 12955721.